The following is an entry in ClinVar:

ClinVar aggregate classification (germline): Uncertain significance. Review status: criteria provided, multiple submitters, no conflicts (2 of 4 stars). 4 submissions from 4 submitters: Uncertain significance (3). 1 of the submissions does not count toward it. Last evaluated 2025-10-07.

Conditions:
Joubert syndrome and related disorders. Identifiers: Orphanet 140874, MedGen C5679612, MONDO:0015369.
Joubert syndrome. Also called: JOUBERT-BOLTSHAUSER SYNDROME; Familial aplasia of the vermis. Identifiers: Orphanet 475, MedGen C5979921, MONDO:0018772.
Meckel-Gruber syndrome. Also called: DYSENCEPHALIA SPLANCHNOCYSTICA; GRUBER SYNDROME; Dysencephalia splachnocystica. Identifiers: Orphanet 564, MedGen C0265215, MONDO:0018921.
CC2D2A-related disorder. Also called: CC2D2A-related disorders; CC2D2A-related condition. Identifiers: MedGen CN239313.

Allele frequency attached by ClinVar (database versions not stated): gnomAD exomes below 0.00001; TOPMed 0.00002.
gnomAD v4.1: 5 of 1,590,776 alleles (0.00031%); highest among the groups gnomAD compares: South Asian, 0.0023%; no homozygotes.

Submissions (4):

Labcorp Genetics (formerly Invitae), Labcorp
Classification: Uncertain significance for Joubert syndrome; Meckel-Gruber syndrome. Last evaluated: 2025-10-07. Review status: criteria provided, single submitter. Criteria: Invitae Variant Classification Sherloc (09022015). Collection method: clinical testing. Allele origin: germline.
Comment: This sequence change falls in intron 8 of the CC2D2A gene. It does not directly change the encoded amino acid sequence of the CC2D2A protein. The frequency data for this variant in the population databases is considered unreliable, as metrics indicate poor data quality at this position in the gnomAD database. This variant has not been reported in the literature in individuals affected with CC2D2A-related conditions. ClinVar contains an entry for this variant (Variation ID: 1472471). Algorithms developed to predict the effect of sequence changes on RNA splicing suggest that this variant may disrupt the consensus splice site. In summary, the available evidence is currently insufficient to determine the role of this variant in disease. Therefore, it has been classified as a Variant of Uncertain Significance.

Myriad Genetics, Inc.
Classification: Uncertain significance for Joubert syndrome and related disorders. Last evaluated: 2025-09-09. Review status: criteria provided, single submitter. Criteria: Myriad Autosomal Dominant, Autosomal Recessive and X-Linked Classification Criteria (2023). Collection method: clinical testing. Allele origin: unknown.
Comment: NM_001080522.2(CC2D2A):c.541-9T>A is an intronic variant classified as a variant of uncertain significance in the context of CC2D2A-related disorders. c.541-9T>A has not been observed in cases with relevant disease. Relevant functional assessments of this variant are not available in the literature. c.541-9T>A has been observed in referenced population frequency databases. In summary, there is insufficient evidence to classify NM_001080522.2(CC2D2A):c.541-9T>A as pathogenic or benign. Please note: this variant was assessed in the context of healthy population screening.

Blueprint Genetics
Classification: Uncertain significance. Last evaluated: 2024-05-27. Review status: criteria provided, single submitter. Criteria: ACMG Guidelines, 2015. Collection method: clinical testing. Allele origin: germline.

PreventionGenetics, part of Exact Sciences
Classification: Likely benign for CC2D2A-related condition. Last evaluated: 2021-04-12. Review status: no assertion criteria provided. Collection method: clinical testing. Allele origin: germline. Not counted in ClinVar's aggregate classification.
Comment: This variant is classified as likely benign based on ACMG/AMP sequence variant interpretation guidelines (Richards et al. 2015 PMID: 25741868, with internal and published modifications).

NM_001378615.1(CC2D2A):c.541-9T>A

Genes: CC2D2A (coiled-coil and C2 domain containing 2A; plus strand), FBXL5 (F-box and leucine rich repeat protein 5; minus strand). Cytogenetic location: 4p15.32.
Variant type: single nucleotide variant.
Coding change: c.541-9T>A on transcript NM_001378615.1 (MANE Select); 9 bases into the intron before coding-DNA position 541, T replaced by A.
Molecular consequence: intron variant.
Genome position (GRCh38, 1-based): chr4:15,511,238, T>A. VCF-style: chr4-15511238-T-A. GRCh37 (hg19) VCF-style: chr4-15512861-T-A.
Other names: c.541-9T>A (NM_001080522.2); c.394-9T>A (NM_001378617.1).
Identifiers: ClinVar variation 1472471 (VCV001472471.8), dbSNP rs1434091819, ClinGen allele CA438380882.
Genomic context (GRCh38, chr4:15,511,238, plus strand): 5'-CAGTTAATTGTGCAGAGCGCATTACAGCTTATAAATGGGAAATTGCGATTGCTCCTTGCT[T>A]TTCGTTAGGTTCCACCTGGCTTCCCTTCTGCAGAAGAGGCCTATAACTTCTTTACTTTCA-3'